The following is an entry in ClinVar:

NM_000486.6(AQP2):c.*1684T>C

Genes: AQP2 (aquaporin 2; plus strand), AQP5-AS1 (AQP5 and AQP2 antisense RNA 2; minus strand). Cytogenetic location: 12q13.12.
Variant type: single nucleotide variant.
Coding change: c.*1684T>C on transcript NM_000486.6 (MANE Select); 1684 bases downstream of the stop codon, T replaced by C.
Molecular consequence: 3 prime UTR variant.
Genome position (GRCh38, 1-based): chr12:49,957,292, T>C. VCF-style: chr12-49957292-T-C. GRCh37 (hg19) VCF-style: chr12-50351075-T-C.
Identifiers: ClinVar variation 309257 (VCV000309257.6), dbSNP rs10875989, ClinGen allele CA10642588.

ClinVar aggregate classification (germline): Benign. Review status: criteria provided, multiple submitters, no conflicts (2 of 4 stars). 2 submissions from 2 submitters: Benign (2). Last evaluated 2018-01-13.

Conditions:
Diabetes insipidus, nephrogenic, autosomal (NDI2). Also called: Nephrogenic Diabetes Insipidus, Type II; Diabetes insipidus, nephrogenic, 2, autosomal. Identifiers: Orphanet 223, MedGen C1563706, MONDO:0007451, OMIM 125800.

Allele frequency attached by ClinVar (database versions not stated): gnomAD exomes 0.29661; gnomAD 0.33771 and 0.34977; TOPMed 0.35384; 1000 Genomes Project 30x 0.47299; 1000 Genomes Project 0.48123.
gnomAD v4.1: 53,190 of 152,098 alleles (35%); highest among the groups gnomAD compares: South Asian, 64%; 10,132 homozygotes.

Submissions (2):

Illumina Laboratory Services, Illumina
Classification: Benign for Diabetes insipidus, nephrogenic, autosomal. Last evaluated: 2018-01-13. Review status: criteria provided, single submitter. Criteria: ICSL Variant Classification Criteria 13 December 2019. Collection method: clinical testing. Allele origin: germline.
Comment: This variant was observed in the ICSL laboratory as part of a predisposition screen in an ostensibly healthy population. It had not been previously curated by ICSL or reported in the Human Gene Mutation Database (HGMD: prior to June 1st, 2018), and was therefore a candidate for classification through an automated scoring system. Utilizing variant allele frequency, disease prevalence and penetrance estimates, and inheritance mode, an automated score was calculated to assess if this variant is too frequent to cause the disease. Based on the score and internal cut-off values, a variant classified as benign is not then subjected to further curation. The score for this variant resulted in a classification of benign for this disease.

Breakthrough Genomics
Classification: Benign. Review status: criteria provided, single submitter. Criteria: ACMG Guidelines, 2015. Collection method: not provided. Allele origin: germline. Inheritance: Autosomal dominant inheritance. Affected: yes.